The following is an entry in ClinVar:

ClinVar aggregate classification (germline): Conflicting classifications of pathogenicity. Review status: criteria provided, conflicting classifications (1 of 4 stars). 2 submissions from 2 submitters: Likely pathogenic (1); Uncertain significance (1). Last evaluated 2024-10-29.

Submissions (2):

GeneDx
Classification: Likely pathogenic. Last evaluated: 2024-10-29. Review status: criteria provided, single submitter. Criteria: GeneDx Variant Classification Process June 2021. Collection method: clinical testing. Allele origin: germline.
Comment: Not observed at significant frequency in large population cohorts (gnomAD); In silico analysis supports that this missense variant has a deleterious effect on protein structure/function; Has not been previously published as pathogenic or benign to our knowledge

Labcorp Genetics (formerly Invitae), Labcorp
Classification: Uncertain significance. Last evaluated: 2021-12-07. Review status: criteria provided, single submitter. Criteria: Invitae Variant Classification Sherloc (09022015). Collection method: clinical testing. Allele origin: germline.
Comment: In summary, the available evidence is currently insufficient to determine the role of this variant in disease. Therefore, it has been classified as a Variant of Uncertain Significance. Algorithms developed to predict the effect of missense changes on protein structure and function are either unavailable or do not agree on the potential impact of this missense change (SIFT: "Tolerated"; PolyPhen-2: "Not Available"; Align-GVGD: "Class C0"). This variant has not been reported in the literature in individuals affected with CLTC-related conditions. This variant is not present in population databases (gnomAD no frequency). This sequence change replaces methionine, which is neutral and non-polar, with isoleucine, which is neutral and non-polar, at codon 1644 of the CLTC protein (p.Met1644Ile).

NM_004859.4(CLTC):c.4920G>A (p.Met1640Ile)

Gene: CLTC (clathrin heavy chain; plus strand). Cytogenetic location: 17q23.1.
Variant type: single nucleotide variant.
Coding change: c.4920G>A on transcript NM_004859.4 (MANE Select); coding-DNA position 4920, G replaced by A.
Protein change: p.Met1640Ile; replaces methionine 1640 with isoleucine.
Molecular consequence: missense variant.
Genome position (GRCh38, 1-based): chr17:59,693,744, G>A. VCF-style: chr17-59693744-G-A. GRCh37 (hg19) VCF-style: chr17-57771105-G-A.
Other names: c.4932G>A, p.Met1644Ile (NM_001288653.2); c.4932G>A (NM_001288653.1); short protein forms M1640I, M1644I.
Identifiers: ClinVar variation 2036855 (VCV002036855.6), dbSNP rs2509170720, ClinGen allele CA400425549.
Genomic context (GRCh38, chr17:59,693,744, plus strand): 5'-CCTTGCCCCTGCCCCCTGCTCCTTTTTGTTTTCTTCTACTGTAGGTCAGCCCCAGTTGAT[G>A]CTGACAGCAGGACCCAGTGTTGCCGTCCCTCCCCAGGCACCTTTTGGTTATGGTTATACC-3'
Protein context (NP_004850.1, residues 1630-1650): QPIVYGQPQL[Met1640Ile]LTAGPSVAVP